The following is an entry in ClinVar:

NM_004536.3(NAIP):c.100T>C (p.Leu34=)

Gene: NAIP (NLR family apoptosis inhibitory protein). Cytogenetic location: 5q13.2.
Variant type: single nucleotide variant.
Coding change: c.100T>C on transcript NM_004536.3 (MANE Select); coding-DNA position 100, T replaced by C.
Protein change: p.Leu34=; no amino-acid change (leucine 34 retained).
Molecular consequence: synonymous variant. On other transcripts: intron variant (1).
Genome position (GRCh38, 1-based): chr5:71,012,816, A>G on the plus strand (T>C on the coding strand, the complement: NAIP is on the minus strand). VCF-style: chr5-71012816-A-G. GRCh37 (hg19) VCF-style: chr5-70308643-A-G.
Other names: c.100T>C, p.Leu34= (NM_001346870.2); c.182+7843T>C (NM_022892.2).
Identifiers: ClinVar variation 2655507 (VCV002655507.24), dbSNP rs141020129, ClinGen allele CA3295313.
Genomic context (GRCh38, chr5:71,012,816, plus strand): 5'-TGTAGCCTTTCTGCATTTTTGCTCGCTCCTTCTGCTCCTCTTCTTCTAGTTCCTTTGCCA[A>G]CTGAACTGCATCTAGGCCCAGAAGAGCAGACAGCTCTGGCAGCAAATTGTGATCAAACTG-3'
Protein context (NP_004527.2, residues 24-44): SALLGLDAVQ[Leu34=]AKELEEEEQK

ClinVar aggregate classification (germline): Likely benign (1 of 4 stars; one submission).

Allele frequency attached by ClinVar (database versions not stated): 1000 Genomes Project 30x 0.00062; 1000 Genomes Project 0.00080; gnomAD 0.00239; TOPMed 0.00269; ESP Exome Variant Server 0.00323.
gnomAD v4.1: 5,967 of 1,611,826 alleles (0.37%); highest among the groups gnomAD compares: Non-Finnish European, 0.46%; 204 homozygotes.

Submission:

CeGaT Center for Human Genetics Tuebingen
Classification: Likely benign. Last evaluated: 2022-11-01. Review status: criteria provided, single submitter. Criteria: CeGaT Center For Human Genetics Tuebingen Variant Classification Criteria Version 2. Collection method: clinical testing. Allele origin: germline. Affected: yes. Observed: 2 variant alleles.
Comment: NAIP: BP4, BP7, BS2